The following is an entry in ClinVar:

NM_015425.6(POLR1A):c.4685G>T (p.Cys1562Phe)

Gene: POLR1A (RNA polymerase I subunit A; minus strand). Cytogenetic location: 2p11.2.
Variant type: single nucleotide variant.
Coding change: c.4685G>T on transcript NM_015425.6 (MANE Select); coding-DNA position 4685, G replaced by T.
Protein change: p.Cys1562Phe; replaces cysteine 1562 with phenylalanine.
Molecular consequence: missense variant.
Genome position (GRCh38, 1-based): chr2:86,030,290, C>A on the plus strand (G>T on the coding strand, the complement: POLR1A is on the minus strand). VCF-style: chr2-86030290-C-A. GRCh37 (hg19) VCF-style: chr2-86257413-C-A.
Other names: short protein forms C1562F.
Identifiers: ClinVar variation 421393 (VCV000421393.3), dbSNP rs1064795108, ClinGen allele CA16617768.

ClinVar aggregate classification (germline): Likely pathogenic. Review status: criteria provided, single submitter (1 of 4 stars). 2 submissions from 2 submitters: Likely pathogenic (1). 1 of the submissions does not count toward it. Last evaluated 2017-10-02.

Conditions:
Acrofacial dysostosis Cincinnati type. Identifiers: Orphanet 1200, MedGen C4225317, MONDO:0014651, OMIM 616462.

Submissions (2):

GeneDx
Classification: Likely pathogenic. Last evaluated: 2017-10-02. Review status: criteria provided, single submitter. Criteria: GeneDx Variant Classification (06012015). Collection method: clinical testing. Allele origin: germline. Affected: yes.
Comment: The C1562F variant in the POLR1A gene has not been reported previously as a pathogenic variant, nor as a benign variant, to our knowledge. The C1562F variant was not observed in approximately 6,100 individuals of European and African American ancestry in the NHLBI Exome Sequencing Project, indicating it is not a common benign variant in these populations. The C1562F variant is a non-conservative amino acid substitution, which is likely to impact secondary protein structure as these residues differ in polarity, charge, size and/or other properties. This substitution occurs at a position that is conserved across species, and in silico analysis predicts this variant is probably damaging to the protein structure/function. We interpret C1562F as a strong candidate for a pathogenic variant.

OMIM
Classification: Pathogenic for ACROFACIAL DYSOSTOSIS, CINCINNATI TYPE. Last evaluated: 2024-01-05. Review status: no assertion criteria provided. Collection method: literature only. Allele origin: germline. Not counted in ClinVar's aggregate classification.

Literature cited by the submitters: PubMed 37075751 (cited by OMIM).